The following is an entry in ClinVar:

ClinVar aggregate classification (germline): Likely pathogenic (1 of 4 stars; one submission).

Conditions:
Primary ciliary dyskinesia 13. Also called: CILIARY DYSKINESIA, PRIMARY, 13, WITH OR WITHOUT SITUS INVERSUS. Identifiers: Orphanet 244, MedGen C2750790, MONDO:0013174, OMIM 613193.

Submission:

The Research Institute of Tuberculosis, Japan Anti-Tuberculosis Association
Classification: Likely pathogenic for Primary ciliary dyskinesia 13. Last evaluated: 2026-05-19. Review status: criteria provided, single submitter. Criteria: ACMG Guidelines, 2015. Collection method: research. Allele origin: germline. Inheritance: Autosomal recessive inheritance. Affected: yes.
Comment: ACMG/AMP guidelines were applied for SNV/indel interpretation. Final classification: Likely pathogenic. This variant is a null variant (FRAMESHIFT) in a gene where loss of function is an established mechanism of disease, supporting PVS1. This variant is absent or present at extremely low frequency in population databases (gnomAD: exome 0.000071; genome 0), supporting PM2. Evidence (ACMG/AMP criteria): PVS1, PM2. Electron microscopy revealed defects of both the outer and inner dynein arms. These findings were consistent with primary ciliary dyskinesia (PCD).

Literature cited by the submitters: PubMed 38432987.

NM_178452.6(DNAAF1):c.86del (p.Gly29fs)

Gene: DNAAF1 (dynein axonemal assembly factor 1; plus strand). Cytogenetic location: 16q24.1.
Variant type: Deletion.
Coding change: c.86del on transcript NM_178452.6 (MANE Select); coding-DNA position 86, one base deleted (G; older notation c.86delG).
Protein change: p.Gly29fs; shifts the reading frame from glycine 29.
Molecular consequence: frameshift variant.
Genome position (GRCh38, 1-based): chr16:84,145,526, G deleted; the last of 3 consecutive G bases (chr16:84,145,524-84,145,526); deleting any one gives the same sequence. VCF-style (leftmost placement, unchanged base first): chr16-84145523-CG-C. GRCh37 (hg19) VCF-style: chr16-84179128-CG-C.
Other names: short protein forms G29fs.
Identifiers: ClinVar variation 4850902 (VCV004850902.2).